The following is an entry in ClinVar:

NM_001267550.2(TTN):c.107889del (p.Lys35963fs)

Genes: TTN (titin; minus strand), TTN-AS1 (TTN antisense RNA 1; plus strand). Cytogenetic location: 2q31.2.
Variant type: Deletion.
Coding change: c.107889del on transcript NM_001267550.2 (MANE Select); coding-DNA position 107889, one base deleted (A; older notation c.107889delA).
Protein change: p.Lys35963fs; shifts the reading frame from lysine 35963.
Molecular consequence: frameshift variant.
Genome position (GRCh38, 1-based): chr2:178,527,099, T deleted on the plus strand (A on the coding strand, the reverse complement: TTN is on the minus strand); the first of 3 consecutive T bases (chr2:178,527,099-178,527,101); deleting any one gives the same sequence. VCF-style (leftmost placement, unchanged base first): chr2-178527098-GT-G. GRCh37 (hg19) VCF-style: chr2-179391825-GT-G.
Other names: AJ277892.2:g.293378delA; c.100185delA (NM_133378.4); c.102966delA (NM_001256850.1); c.81069del, p.Lys27023fs (NM_133432.3); c.81270del, p.Lys27090fs (NM_133437.4); c.102966del, p.Lys34322fs (NM_001256850.1); c.80694del, p.Lys26898fs (NM_003319.4); c.100185del, p.Lys33395fs (NM_133378.4); and 2 more; short protein forms K27023fs, K27090fs, K26898fs, K35963fs, K33395fs, K34322fs.
Identifiers: ClinVar variation 38439 (VCV000038439.35), dbSNP rs281864930, ClinGen allele CA309464.

ClinVar aggregate classification (germline): Pathogenic. Review status: criteria provided, multiple submitters, no conflicts (2 of 4 stars). 15 submissions from 15 submitters: Pathogenic (13). 2 of the submissions do not count toward it. Last evaluated 2026-01-28.

Conditions:
Autosomal recessive titinopathy. Identifiers: MedGen CN315649, MONDO:0100493.
TTN-related disorder. Also called: TTN-related condition; TTN-related disease; TTN-related disorders.
Autosomal recessive limb-girdle muscular dystrophy type 2J (LGMDR10). Also called: MUSCULAR DYSTROPHY, LIMB-GIRDLE, AUTOSOMAL RECESSIVE 10; Limb-girdle muscular dystrophy, type 2J. Identifiers: Orphanet 140922, MedGen C1837342, MONDO:0012127, OMIM 608807.
Dilated cardiomyopathy 1G (CMD1G). Identifiers: Orphanet 154, MedGen C1858763, MONDO:0011400, OMIM 604145.
Cardiovascular phenotype. Identifiers: MedGen CN230736.
Myopathy, myofibrillar, 9, with early respiratory failure (MFM9). Also called: Myopathy, distal, with early respiratory failure, autosomal dominant; Hereditary myopathy with early respiratory failure; MYOPATHY, PROXIMAL, WITH EARLY RESPIRATORY MUSCLE INVOLVEMENT; EDSTROM MYOPATHY. Identifiers: Orphanet 178464, Orphanet 34521, MedGen C1863599, MONDO:0011362, OMIM 603689.
Early-onset myopathy with fatal cardiomyopathy (CMYO5). Also called: Salih Myopathy; CONGENITAL MYOPATHY 5 WITH CARDIOMYOPATHY. Identifiers: Orphanet 289377, MedGen C2673677, MONDO:0012714, OMIM 611705. Disease mechanism: loss of function.
Hypertrophic cardiomyopathy 9. Also called: Familial hypertrophic cardiomyopathy 9. Identifiers: MedGen C1861065, MONDO:0013412, OMIM 613765.
Tibial muscular dystrophy (TMD). Also called: Tibial muscular dystrophy, tardive; Udd Distal Myopathy – Tibial Muscular Dystrophy; UDD MYOPATHY. Identifiers: Orphanet 609, MedGen C1838244, MONDO:0010870, OMIM 600334.

Submissions 1 to 5 of 15:

Labcorp Genetics (formerly Invitae), Labcorp
Classification: Pathogenic for Dilated cardiomyopathy 1G; Autosomal recessive limb-girdle muscular dystrophy type 2J. Last evaluated: 2026-01-28. Review status: criteria provided, single submitter. Criteria: Invitae Variant Classification Sherloc (09022015). Collection method: clinical testing. Allele origin: germline.
Comment: This sequence change creates a premature translational stop signal (p.Lys35963Asnfs*9) in the TTN gene. While this is not anticipated to result in nonsense mediated decay, it is expected to create a truncated TTN protein. This variant is present in population databases (rs281864930, gnomAD 0.003%). This premature translational stop signal has been observed in individual(s) with autosomal recessive centronuclear myopathy or autosomal recessive tibial muscular dystrophy (PMID: 23975875, 24395473, 26627873). In at least one individual the data is consistent with being in trans (on the opposite chromosome) from a pathogenic variant. This variant has been reported in individual(s) with autosomal dominant dilated cardiomyopathy and atrial fibrillation (PMID: 26516846, 34495297); however, the role of the variant in this condition is currently unclear. This variant is also known as p.K33395NfsX9. ClinVar contains an entry for this variant (Variation ID: 38439). This variant is located in the M band of TTN (PMID: 25589632). Truncating variants in this region have been previously reported in individuals affected with autosomal dominant or autosomal recessive myopathy and muscular dystrophy (PMID: 18948003, 23975875, 24395473). Truncating variants in this region have also been identified in individuals affected with autosomal dominant dilated cardiomyopathy and/or cardio-related conditions (PMID: 27869827, 32964742, internal data). For these reasons, this variant has been classified as Pathogenic.

PreventionGenetics, part of Exact Sciences
Classification: Pathogenic for TTN-related condition. Last evaluated: 2025-11-19. Review status: criteria provided, single submitter. Criteria: ACMG Guidelines, 2015. Collection method: clinical testing. Allele origin: germline.
Comment: The TTN c.107889delA variant is predicted to result in a frameshift and premature protein termination (p.Lys35963Asnfs*9). This variant, also described as p.Lys33395Asnfs*9 with an alternate transcript NM_133378, has been reported in individuals with tibial muscular dystrophy, centronuclear myopathy, dilated cardiomyopathy, and sudden cardiac death (Hackman et al. 2008. PubMed ID: 18948003; Ceyhan-Birsoy et al. 2013. PubMed ID: 23975875; Evilä et al. 2014. PubMed ID: 24395473; Evilä et al. 2015. PubMed ID: 26627873; Table S1, Campuzano et al. 2015. PubMed ID: 26516846). This variant is reported in 0.0016% of alleles in individuals of European (Non-Finnish) descent in gnomAD. This variant occurs in the M-band region of the TTN protein. Exons 359-364 (Mex1-Mex6) have historically been found to harbor a significant number of pathogenic variants for TTN-related autosomal dominant and recessive muscle disorders (Hackman et al. 2002. PubMed ID: 12145747; Evilä et al. 2014. PubMed ID: 24395473). RNAseq studies from heart tissue indicate this exon is commonly expressed in TTN mRNA transcripts (PSI of 100%, Roberts et al. 2015. PubMed ID: 25589632). TTN loss-of-function variants occurring in constitutively expressed exons (PSI > 90%) are more likely to be disease causing for TTN cardiac-related disorders regardless of band location (Roberts et al. 2015. PubMed ID: 25589632; Schafer et al. 2017. PubMed ID: 27869827; Akhtar et al. 2020. PubMed ID: 32964742). Many cases of recessive TTN-related myopathies in which the individual is compound heterozygous for two loss-of-function variants in TTN have also been reported (Oates et al. 2018. PubMed ID: 29691892; Ge et al. 2019. PubMed ID: 31053406; Rees et al. 2021. PubMed ID: 33449170). In summary, this variant is categorized as pathogenic. Of note, this variant is considered pathogenic for increased risk of TTN-related cardiac disorders, and also for autosomal recessive TTN-related congenital titinopathies.

Ambry Genetics
Classification: Pathogenic for Cardiovascular phenotype. Last evaluated: 2023-12-19. Review status: criteria provided, single submitter. Criteria: Ambry Variant Classification Scheme 2023. Collection method: clinical testing. Allele origin: germline.
Comment: The c.80694delA pathogenic mutation, located in coding exon 190 of the TTN gene, results from a deletion of one nucleotide at nucleotide position 80694, causing a translational frameshift with a predicted alternate stop codon (p.K26898Nfs*9). This exon is located in the M-band region of the N2-B isoform of the titin protein and is constitutively expressed in TTN transcripts (percent spliced in or PSI 100%). This mutation (also referred to as K33395Nfs*9 (c.100185delA), p.K35963Nfs*9 (c.107889delA), p.K33394Nfs*9 (c.100185delA) in the literature) has been reported in the homozygous and compound heterozygous state with other truncating variants in TTN in association with skeletal muscle disease phenotypes including distal myopathy, centronuclear myopathy, and tibial muscular dystrophy (Hackman P et al. Neuromuscul. Disord., 2008 Dec;18:922-8; Ceyhan-Birsoy O et al. Neurology, 2013 Oct;81:1205-14; Evil&auml; A et al. Ann. Neurol., 2014 Feb;75:230-40; Evil&auml; A et al. Neuromuscul. Disord., 2016 Jan;26:7-15; V&auml;lipakka S et al. Neurol Genet, 2017 Dec;3:e204). This variant has also been detected in sudden death and dilated cardiomyopathy cohorts; however, details were not provided (Campuzano O et al. Int J Mol Sci, 2015 Oct;16:25773-87). This alteration is expected to result in loss of function by premature protein truncation or nonsense-mediated mRNA decay. While truncating variants in TTN are present in 1-3% of the general population, truncating variants in the M-band have been reported in association with autosomal recessive titinopathies, primarily presenting with skeletal myopathy phenotypes (Ceyhan-Birsoy O et al. Neurology. 2013 Oct 1;81(14):1205-14; De Cid R et al. Neurology. 2015;85(24):2126-35). In addition, regardless of their position, TTN truncating variants encoded in constitutive exons (PSI >90%) have been found to be significantly associated with dilated cardiomyopathy (DCM), though truncating variants in the A-band are the most common cause of DCM (Herman DS et al. N. Engl. J. Med., 2012 Feb;366:619-28; Roberts AM et al. Sci Transl Med, 2015 Jan;7:270ra6; Schafer S et al. Nat. Genet., 2017 01;49:46-53). Based on the supporting evidence, this alteration is interpreted as a disease-causing mutation in association with autosomal recessive titinopathy; however, the clinical significance of this alteration with respect to cardiomyopathy remains unclear.

HudsonAlpha Institute for Biotechnology
Classification: Pathogenic for Dilated cardiomyopathy 1G. Last evaluated: 2023-08-25. Review status: criteria provided, single submitter. Criteria: ACMG Guidelines, 2015. Collection method: research. Allele origin: maternal. Observed: 1 variant allele. Study: HudsonAlpha-AGHI-WGS.

Baylor Genetics
Classification: Pathogenic for Dilated cardiomyopathy 1G. Last evaluated: 2023-07-25. Review status: criteria provided, single submitter. Criteria: ACMG Guidelines, 2015. Collection method: clinical testing. Allele origin: unknown.